The following is an entry in ClinVar:

ClinVar aggregate classification (germline): Uncertain significance. Review status: criteria provided, single submitter (1 of 4 stars). 2 submissions from 2 submitters: Uncertain significance (1). 1 of the submissions does not count toward it. Last evaluated 2025-05-14.

Conditions:
Bardet-Biedl syndrome 12 (BBS12). Identifiers: Orphanet 110, MedGen C1859570, MONDO:0014440, OMIM 615989.

Submissions (2):

Women's Health and Genetics/Laboratory Corporation of America, LabCorp
Classification: Uncertain significance. Last evaluated: 2025-05-14. Review status: criteria provided, single submitter. Criteria: LabCorp Variant Classification Summary - May 2015. Collection method: clinical testing. Allele origin: germline.
Comment: Variant summary: BBS12 c.1037T>C (p.Ile346Thr) results in a non-conservative amino acid change in the encoded protein sequence. Algorithms developed to predict the effect of missense changes on protein structure and function are either unavailable or do not agree on the potential impact of this missense change. The variant was absent in 251268 control chromosomes. The available data on variant occurrences in the general population are insufficient to allow any conclusion about variant significance. c.1037T>C has been observed in the compound heterozygous state with a pathogenic variant in at least 1 individual(s) affected with Bardet-Biedl Syndrome (example, Davis_2011, Imhoff_2011, Scheidecker_2015, Stoetzel_2007). These data do not allow any conclusion about variant significance. At least one publication reports experimental evidence evaluating an impact on protein function which suggested a significance difference in a zebrafish model of embryonic development in the presence of this variant as compared to controls, however, the available data did not allow convincing conclusions about the variant effect (Zaghoul_2010). The following publications have been ascertained in the context of this evaluation (PMID: 21258341, 20876674, 25982971, 17160889, 20498079). ClinVar contains an entry for this variant (Variation ID: 555102). Based on the evidence outlined above, the variant was classified as uncertain significance.

Counsyl
Classification: Uncertain significance for Bardet-Biedl syndrome 12. Last evaluated: 2017-11-22. Review status: no assertion criteria provided. Collection method: clinical testing. Allele origin: unknown. Not counted in ClinVar's aggregate classification.

Literature cited by the submitters: PubMed 17160889 (cited by Women's Health and Genetics/Laboratory Corporation of America, LabCorp and Counsyl); PubMed 20498079 (cited by Women's Health and Genetics/Laboratory Corporation of America, LabCorp and Counsyl); PubMed 20876674 (cited by Women's Health and Genetics/Laboratory Corporation of America, LabCorp); PubMed 21258341 (cited by Women's Health and Genetics/Laboratory Corporation of America, LabCorp); PubMed 25982971 (cited by Women's Health and Genetics/Laboratory Corporation of America, LabCorp); PubMed 20080638 (cited by Counsyl).

NM_152618.3(BBS12):c.1037T>C (p.Ile346Thr)

Gene: BBS12 (Bardet-Biedl syndrome 12; plus strand). Cytogenetic location: 4q27.
Variant type: single nucleotide variant.
Coding change: c.1037T>C on transcript NM_152618.3 (MANE Select); coding-DNA position 1037, T replaced by C.
Protein change: p.Ile346Thr; replaces isoleucine 346 with threonine.
Molecular consequence: missense variant.
Genome position (GRCh38, 1-based): chr4:122,742,929, T>C. VCF-style: chr4-122742929-T-C. GRCh37 (hg19) VCF-style: chr4-123664084-T-C.
Other names: c.1037T>C, p.Ile346Thr (NM_001178007.2); short protein forms I346T.
Identifiers: ClinVar variation 555102 (VCV000555102.3), dbSNP rs1553941373, ClinGen allele CA358224257.